The following is an entry in ClinVar:

NM_000553.6(WRN):c.1621A>G (p.Lys541Glu)

Gene: WRN (WRN RecQ like helicase; plus strand). Cytogenetic location: 8p12.
Variant type: single nucleotide variant.
Coding change: c.1621A>G on transcript NM_000553.6 (MANE Select); coding-DNA position 1621, A replaced by G.
Protein change: p.Lys541Glu; replaces lysine 541 with glutamic acid.
Molecular consequence: missense variant.
Genome position (GRCh38, 1-based): chr8:31,088,934, A>G. VCF-style: chr8-31088934-A-G. GRCh37 (hg19) VCF-style: chr8-30946450-A-G.
Other names: short protein forms K541E.
Identifiers: ClinVar variation 528130 (VCV000528130.1), dbSNP rs1554522745, ClinGen allele CA370926359.
Genomic context (GRCh38, chr8:31,088,934, plus strand): 5'-TTTATTTTATTTCCAGACTTTTTGTGGCCAGCACCCAATGAAGAGCAAGTTACTTGCCTC[A>G]AGATGTACTTTGGCCATTCCAGTTTTAAACCGTGAGTATAATCTCATTTAATCAAATCAC-3'
Protein context (NP_000544.2, residues 531-551): APNEEQVTCL[Lys541Glu]MYFGHSSFKP

ClinVar aggregate classification (germline): Uncertain significance (1 of 4 stars; one submission).

Conditions:
Werner syndrome (WRN). Identifiers: Orphanet 902, MedGen C0043119, MONDO:0010196, OMIM 277700.

Allele frequency attached by ClinVar (database versions not stated): gnomAD exomes below 0.00001.
gnomAD v4.1: 1 of 1,611,608 alleles (0.000062%); highest among the groups gnomAD compares: Non-Finnish European, 0.000085%; no homozygotes.

Submission:

Labcorp Genetics (formerly Invitae), Labcorp
Classification: Uncertain significance for Werner syndrome. Last evaluated: 2017-12-06. Review status: criteria provided, single submitter. Criteria: Invitae Variant Classification Sherloc (09022015). Collection method: clinical testing. Allele origin: germline.
Comment: This sequence change replaces lysine with glutamic acid at codon 541 of the WRN protein (p.Lys541Glu). The lysine residue is highly conserved and there is a small physicochemical difference between lysine and glutamic acid. This variant is not present in population databases (ExAC no frequency). This variant has not been reported in the literature in individuals with WRN-related disease. Algorithms developed to predict the effect of missense changes on protein structure and function do not agree on the potential impact of this missense change (SIFT: "Tolerated"; PolyPhen-2: "Probably Damaging"; Align-GVGD: "Class C0"). In summary, the available evidence is currently insufficient to determine the role of this variant in disease. Therefore, it has been classified as a Variant of Uncertain Significance.